The following is an entry in ClinVar:

NM_001112741.2(KCNC1):c.691A>G (p.Thr231Ala)

Gene: KCNC1 (potassium voltage-gated channel subfamily C member 1; plus strand). Cytogenetic location: 11p15.1.
Variant type: single nucleotide variant.
Coding change: c.691A>G on transcript NM_001112741.2 (MANE Select); coding-DNA position 691, A replaced by G.
Protein change: p.Thr231Ala; replaces threonine 231 with alanine.
Molecular consequence: missense variant.
Genome position (GRCh38, 1-based): chr11:17,771,785, A>G. VCF-style: chr11-17771785-A-G. GRCh37 (hg19) VCF-style: chr11-17793332-A-G.
Other names: c.691A>G, p.Thr231Ala (NM_004976.4); short protein forms T231A.
Identifiers: ClinVar variation 568146 (VCV000568146.9), dbSNP rs1565162623, ClinGen allele CA379805811.

ClinVar aggregate classification (germline): Likely pathogenic (1 of 4 stars; one submission).

Conditions:
Progressive myoclonic epilepsy type 7. Identifiers: Orphanet 435438, MedGen C4015420, MONDO:0014521, OMIM 616187.

Submission:

Labcorp Genetics (formerly Invitae), Labcorp
Classification: Likely pathogenic for Progressive myoclonic epilepsy type 7. Last evaluated: 2018-03-15. Review status: criteria provided, single submitter. Criteria: Invitae Variant Classification Sherloc (09022015). Collection method: clinical testing. Allele origin: germline.
Comment: In summary, the currently available evidence indicates that the variant is pathogenic, but additional data are needed to prove that conclusively. Therefore, this variant has been classified as Likely Pathogenic. Algorithms developed to predict the effect of missense changes on protein structure and function do not agree on the potential impact of this missense change (SIFT: "Deleterious"; PolyPhen-2: "Benign"; Align-GVGD: "Class C0"). This variant is not present in population databases (ExAC no frequency). This sequence change replaces threonine with alanine at codon 231 of the KCNC1 protein (p.Thr231Ala). The threonine residue is highly conserved and there is a small physicochemical difference between threonine and alanine.

Literature cited by the submitters: PubMed 25401298; PubMed 27629860; PubMed 28380698.